The following is an entry in ClinVar:

NM_015175.3(NBEAL2):c.6963G>A (p.Lys2321=)

Gene: NBEAL2 (neurobeachin like 2; plus strand). Cytogenetic location: 3p21.31.
Variant type: single nucleotide variant.
Coding change: c.6963G>A on transcript NM_015175.3 (MANE Select); coding-DNA position 6963, G replaced by A.
Protein change: p.Lys2321=; no amino-acid change (lysine 2321 retained).
Molecular consequence: synonymous variant.
Genome position (GRCh38, 1-based): chr3:47,006,208, G>A. VCF-style: chr3-47006208-G-A. GRCh37 (hg19) VCF-style: chr3-47047698-G-A.
Other names: c.6861G>A, p.Lys2287= (NM_001365116.2).
Identifiers: ClinVar variation 4751009 (VCV004751009.3).

ClinVar aggregate classification (germline): Likely benign. Review status: criteria provided, multiple submitters, no conflicts (2 of 4 stars). 3 submissions from 3 submitters: Likely benign (3). Last evaluated 2025-12-24.

Conditions:
NBEAL2-related disorder. Also called: NBEAL2-related condition.

Submissions (3):

Labcorp Genetics (formerly Invitae), Labcorp
Classification: Likely benign. Last evaluated: 2025-12-24. Review status: criteria provided, single submitter. Criteria: Invitae Variant Classification Sherloc (09022015). Collection method: clinical testing. Allele origin: germline.

PreventionGenetics, part of Exact Sciences
Classification: Likely benign for NBEAL2-related condition. Last evaluated: 2025-07-10. Review status: criteria provided, single submitter. Criteria: ACMG Guidelines, 2015. Collection method: clinical testing. Allele origin: germline.
Comment: This variant is classified as likely benign based on ACMG/AMP sequence variant interpretation guidelines (Richards et al. 2015 PMID: 25741868, with internal and published modifications).

Blueprint Genetics
Classification: Likely benign. Last evaluated: 2022-07-18. Review status: criteria provided, single submitter. Criteria: ACMG Guidelines, 2015. Collection method: clinical testing. Allele origin: germline.